The following is an entry in ClinVar:

ClinVar aggregate classification (germline): Likely benign. Review status: criteria provided, multiple submitters, no conflicts (2 of 4 stars). 3 submissions from 3 submitters: Likely benign (3). Last evaluated 2025-04-23.

Conditions:
Malignant hyperthermia, susceptibility to, 1 (MHS1). Also called: RYR1-Related Malignant Hyperthermia Susceptibility; Anesthesia related hyperthermia; Malignant hyperpyrexia; Fulminating hyperpyrexia; Pharmacogenic myopathy; Malignant hyperthermia suceptibility 1. Identifiers: Orphanet 423, MedGen C2930980, MONDO:0007783, OMIM 145600.
RYR1-related disorder. Also called: RYR1-related condition; RYR1-related disorders. Identifiers: MedGen CN239331.

Allele frequency attached by ClinVar (database versions not stated): gnomAD 0.00001; gnomAD exomes 0.00001; TOPMed 0.00001; ESP Exome Variant Server 0.00008.
gnomAD v4.1: 8 of 1,614,024 alleles (0.0005%); highest among the groups gnomAD compares: Non-Finnish European, 0.00068%; no homozygotes.

Submissions (3):

Labcorp Genetics (formerly Invitae), Labcorp
Classification: Likely benign for RYR1-related disorder. Last evaluated: 2025-04-23. Review status: criteria provided, single submitter. Criteria: Invitae Variant Classification Sherloc (09022015). Collection method: clinical testing. Allele origin: germline.

All of Us Research Program, National Institutes of Health
Classification: Likely benign for Malignant hyperthermia, susceptibility to, 1. Last evaluated: 2023-12-18. Review status: criteria provided, single submitter. Criteria: ACMG Guidelines, 2015. Collection method: clinical testing. Allele origin: germline. Inheritance: Autosomal dominant inheritance. Observed: 2 variant alleles, 2 heterozygotes.
Comment: This variant is located in the RYR1 protein. To our knowledge, functional studies have not been reported for this variant. This variant has not been reported in individuals affected with RYR1-related disorders in the literature. This variant has not been identified in the general population by the Genome Aggregation Database (gnomAD). The available evidence is insufficient to determine the role of this variant in disease conclusively. Therefore, this variant is classified as a Variant of Uncertain Significance.

This study involves interpretation of variants in research participants for the purpose of population health screening. Participant phenotype was not available at the time of variant classification. Additional details can be found in publication PMID: 35346344, PMCID: PMC8962531

Color Diagnostics, LLC DBA Color Health
Classification: Likely benign for Malignant hyperthermia, susceptibility to, 1. Last evaluated: 2023-11-29. Review status: criteria provided, single submitter. Criteria: ACMG Guidelines, 2015. Collection method: clinical testing. Allele origin: germline.

NM_000540.3(RYR1):c.8085G>C (p.Leu2695=)

Gene: RYR1 (ryanodine receptor 1; plus strand). Cytogenetic location: 19q13.2.
Variant type: single nucleotide variant.
Coding change: c.8085G>C on transcript NM_000540.3 (MANE Select); coding-DNA position 8085, G replaced by C.
Protein change: p.Leu2695=; no amino-acid change (leucine 2695 retained).
Molecular consequence: synonymous variant.
Genome position (GRCh38, 1-based): chr19:38,504,765, G>C. VCF-style: chr19-38504765-G-C. GRCh37 (hg19) VCF-style: chr19-38995405-G-C.
Other names: c.8085G>C, p.Leu2695= (NM_001042723.2).
Identifiers: ClinVar variation 544465 (VCV000544465.11), dbSNP rs139673296, ClinGen allele CA308116311.